The following is an entry in ClinVar:

NM_024753.5(TTC21B):c.3487A>G (p.Met1163Val)

Gene: TTC21B (tetratricopeptide repeat domain 21B; minus strand). Cytogenetic location: 2q24.3.
Variant type: single nucleotide variant.
Coding change: c.3487A>G on transcript NM_024753.5 (MANE Select); coding-DNA position 3487, A replaced by G.
Protein change: p.Met1163Val; replaces methionine 1163 with valine.
Molecular consequence: missense variant.
Genome position (GRCh38, 1-based): chr2:165,883,991, T>C on the plus strand (A>G on the coding strand, the complement: TTC21B is on the minus strand). VCF-style: chr2-165883991-T-C. GRCh37 (hg19) VCF-style: chr2-166740501-T-C.
Other names: short protein forms M1163V.
Identifiers: ClinVar variation 2038609 (VCV002038609.2), dbSNP rs749970838, ClinGen allele CA1941486.

ClinVar aggregate classification (germline): Uncertain significance. Review status: criteria provided, multiple submitters, no conflicts (2 of 4 stars). 2 submissions from 2 submitters: Uncertain significance (2). Last evaluated 2024-03-18.

Conditions:
Nephronophthisis. Also called: Juvenile Nephronophthisis. Identifiers: Orphanet 655, MedGen C0687120, MONDO:0019005, HP:0000090.
Jeune thoracic dystrophy. Also called: Short-rib thoracic dysplasia; Jeune syndrome; Infantile thoracic dystrophy; Thoracic pelvic phalangeal dystrophy; Jeune's syndrome; Chondroectodermal dysplasia-like syndrome. Identifiers: Orphanet 474, MedGen C0265275, MONDO:0018770.
Asphyxiating thoracic dystrophy 4 (SRTD4). Also called: SHORT-RIB THORACIC DYSPLASIA 4; SHORT-RIB THORACIC DYSPLASIA 4 WITH OR WITHOUT POLYDACTYLY. Identifiers: Orphanet 474, MedGen C3151185, MONDO:0013441, OMIM 613819.
Nephronophthisis 12 (NPHP12). Identifiers: Orphanet 655, MedGen C3151186, MONDO:0013442, OMIM 613820.

Allele frequency attached by ClinVar (database versions not stated): gnomAD exomes below 0.00001; ExAC 0.00001; gnomAD 0.00001; TOPMed 0.00001.

Submissions (2):

Fulgent Genetics
Classification: Uncertain significance for Asphyxiating thoracic dystrophy 4; Nephronophthisis 12. Last evaluated: 2024-03-18. Review status: criteria provided, single submitter. Criteria: ACMG Guidelines, 2015. Collection method: clinical testing. Allele origin: germline.

Labcorp Genetics (formerly Invitae), Labcorp
Classification: Uncertain significance for Jeune thoracic dystrophy; Nephronophthisis. Last evaluated: 2022-07-01. Review status: criteria provided, single submitter. Criteria: Invitae Variant Classification Sherloc (09022015). Collection method: clinical testing. Allele origin: germline.
Comment: This sequence change replaces methionine, which is neutral and non-polar, with valine, which is neutral and non-polar, at codon 1163 of the TTC21B protein (p.Met1163Val). This variant is present in population databases (rs749970838, gnomAD 0.002%). This variant has not been reported in the literature in individuals affected with TTC21B-related conditions. Algorithms developed to predict the effect of missense changes on protein structure and function (SIFT, PolyPhen-2, Align-GVGD) all suggest that this variant is likely to be tolerated. In summary, the available evidence is currently insufficient to determine the role of this variant in disease. Therefore, it has been classified as a Variant of Uncertain Significance.